The following is an entry in ClinVar:

NM_000257.4(MYH7):c.1653G>A (p.Lys551=)

Gene: MYH7 (myosin heavy chain 7; minus strand). Cytogenetic location: 14q11.2.
Variant type: single nucleotide variant.
Coding change: c.1653G>A on transcript NM_000257.4 (MANE Select); coding-DNA position 1653, G replaced by A.
Protein change: p.Lys551=; no amino-acid change (lysine 551 retained).
Molecular consequence: synonymous variant.
Genome position (GRCh38, 1-based): chr14:23,427,820, C>T on the plus strand (G>A on the coding strand, the complement: MYH7 is on the minus strand). VCF-style: chr14-23427820-C-T. GRCh37 (hg19) VCF-style: chr14-23897029-C-T.
Identifiers: ClinVar variation 42859 (VCV000042859.11), dbSNP rs368160680, ClinGen allele CA011110.

ClinVar aggregate classification (germline): Likely benign. Review status: criteria provided, multiple submitters, no conflicts (2 of 4 stars). 5 submissions from 5 submitters: Likely benign (5). Last evaluated 2025-09-15.

Conditions:
Cardiovascular phenotype. Identifiers: MedGen CN230736.
Cardiomyopathy (CMYO). Also called: Cardiomyopathies. Identifiers: Orphanet 167848, MedGen C0878544, MONDO:0004994, HP:0001638. Inheritance: Various modes of inheritance.
Hypertrophic cardiomyopathy. Also called: HYPERTROPHIC MYOCARDIOPATHY. Identifiers: Orphanet 217569, MedGen C0007194, MeSH D002312, MONDO:0005045, HP:0001639.

Allele frequency attached by ClinVar (database versions not stated): gnomAD exomes below 0.00001; ExAC 0.00001; ESP Exome Variant Server 0.00008.
gnomAD v4.1: 4 of 1,614,200 alleles (0.00025%); highest among the groups gnomAD compares: Non-Finnish European, 0.00034%; no homozygotes.

Submissions (5):

Labcorp Genetics (formerly Invitae), Labcorp
Classification: Likely benign for Hypertrophic cardiomyopathy. Last evaluated: 2025-09-15. Review status: criteria provided, single submitter. Criteria: Invitae Variant Classification Sherloc (09022015). Collection method: clinical testing. Allele origin: germline.

Ambry Genetics
Classification: Likely benign for Cardiovascular phenotype. Last evaluated: 2025-02-10. Review status: criteria provided, single submitter. Criteria: Ambry Variant Classification Scheme 2023. Collection method: clinical testing. Allele origin: germline.

All of Us Research Program, National Institutes of Health
Classification: Likely benign for Cardiomyopathy. Last evaluated: 2024-07-29. Review status: criteria provided, single submitter. Criteria: ACMG Guidelines, 2015. Collection method: clinical testing. Allele origin: germline. Inheritance: Autosomal dominant inheritance. Observed: 1 variant allele, 1 heterozygote.
Comment: This study involves interpretation of variants in research participants for the purpose of population health screening. Participant phenotype was not available at the time of variant classification. Additional details can be found in publication PMID: 35346344, PMCID: PMC8962531

Color Diagnostics, LLC DBA Color Health
Classification: Likely benign for Cardiomyopathy. Last evaluated: 2024-05-21. Review status: criteria provided, single submitter. Criteria: ACMG Guidelines, 2015. Collection method: clinical testing. Allele origin: germline.

Laboratory for Molecular Medicine, Mass General Brigham Personalized Medicine
Classification: Likely benign. Last evaluated: 2012-03-19. Review status: criteria provided, single submitter. Criteria: LMM Criteria. Collection method: clinical testing. Allele origin: germline. Observed: 1 variant allele.
Comment: Lys551Lys in exon 16 of MYH7: This variant is not expected to have clinical sign ificance because it does not alter an amino acid residue and is not located with in the splice consensus sequence. It has been identified in 1/7020 European Amer ican chromosomes from a broad population by the NHLBI Exome Sequencing Project.